The following is an entry in ClinVar:

NM_019032.6(ADAMTSL4):c.205C>T (p.Arg69Trp)

Genes: ADAMTSL4 (ADAMTS like 4; plus strand), ADAMTSL4-AS2 (ADAMTSL4 antisense RNA 2; minus strand). Cytogenetic location: 1q21.2.
Variant type: single nucleotide variant.
Coding change: c.205C>T on transcript NM_019032.6 (MANE Select); coding-DNA position 205, C replaced by T.
Protein change: p.Arg69Trp; replaces arginine 69 with tryptophan.
Molecular consequence: missense variant.
Genome position (GRCh38, 1-based): chr1:150,553,024, C>T. VCF-style: chr1-150553024-C-T. GRCh37 (hg19) VCF-style: chr1-150525500-C-T.
Other names: c.205C>T, p.Arg69Trp (NM_001378596.1, NM_001288607.2, NM_001288608.2 and 1 more transcripts); short protein forms R69W.
Identifiers: ClinVar variation 1978492 (VCV001978492.1), dbSNP rs754479372, ClinGen allele CA1077899.

ClinVar aggregate classification (germline): Uncertain significance (1 of 4 stars; one submission).

Allele frequency attached by ClinVar (database versions not stated): gnomAD 0.00001; gnomAD exomes 0.00001; TOPMed 0.00001; ExAC 0.00002.

Submission:

Labcorp Genetics (formerly Invitae), Labcorp
Classification: Uncertain significance. Last evaluated: 2022-03-15. Review status: criteria provided, single submitter. Criteria: Invitae Variant Classification Sherloc (09022015). Collection method: clinical testing. Allele origin: germline.
Comment: This sequence change replaces arginine, which is basic and polar, with tryptophan, which is neutral and slightly polar, at codon 69 of the ADAMTSL4 protein (p.Arg69Trp). This variant is present in population databases (rs754479372, gnomAD 0.003%). This variant has not been reported in the literature in individuals affected with ADAMTSL4-related conditions. Algorithms developed to predict the effect of missense changes on protein structure and function (SIFT, PolyPhen-2, Align-GVGD) all suggest that this variant is likely to be disruptive. In summary, the available evidence is currently insufficient to determine the role of this variant in disease. Therefore, it has been classified as a Variant of Uncertain Significance.